The following is an entry in ClinVar:

NM_000075.4(CDK4):c.87C>G (p.Gly29=)

Gene: CDK4 (cyclin dependent kinase 4; minus strand). Cytogenetic location: 12q14.1.
Variant type: single nucleotide variant.
Coding change: c.87C>G on transcript NM_000075.4 (MANE Select); coding-DNA position 87, C replaced by G.
Protein change: p.Gly29=; no amino-acid change (glycine 29 retained).
Molecular consequence: synonymous variant.
Genome position (GRCh38, 1-based): chr12:57,751,631, G>C on the plus strand (C>G on the coding strand, the complement: CDK4 is on the minus strand). VCF-style: chr12-57751631-G-C. GRCh37 (hg19) VCF-style: chr12-58145414-G-C.
Identifiers: ClinVar variation 485486 (VCV000485486.7), dbSNP rs1555201376, ClinGen allele CA480404904.

ClinVar aggregate classification (germline): Benign/Likely benign. Review status: criteria provided, multiple submitters, no conflicts (2 of 4 stars). 3 submissions from 3 submitters: Benign (1); Likely benign (2). Last evaluated 2025-04-27.

Conditions:
Melanoma, cutaneous malignant, susceptibility to, 3. Also called: Cutaneous malignant melanoma 3. Identifiers: Orphanet 618, MedGen C1836892, MONDO:0012183, OMIM 609048.
Familial melanoma. Also called: Hereditary melanoma; Hereditary cutaneous melanoma. Identifiers: Orphanet 618, MedGen C1512419, MONDO:0018961.
Hereditary cancer-predisposing syndrome. Also called: Neoplastic Syndromes, Hereditary; Tumor predisposition; Hereditary Cancer Syndrome; Hereditary neoplastic syndrome. Identifiers: Orphanet 140162, MedGen C0027672, MeSH D009386, MONDO:0015356.

Submissions (3):

Labcorp Genetics (formerly Invitae), Labcorp
Classification: Likely benign for Familial melanoma. Last evaluated: 2025-04-27. Review status: criteria provided, single submitter. Criteria: Invitae Variant Classification Sherloc (09022015). Collection method: clinical testing. Allele origin: germline.

Myriad Genetics, Inc.
Classification: Benign for Melanoma, cutaneous malignant, susceptibility to, 3. Last evaluated: 2024-09-24. Review status: criteria provided, single submitter. Criteria: Myriad Autosomal Dominant, Autosomal Recessive and X-Linked Classification Criteria (2023). Collection method: clinical testing. Allele origin: unknown.
Comment: This variant is considered benign. This variant is a silent/synonymous amino acid change and it is not expected to impact splicing.

Ambry Genetics
Classification: Likely benign for Hereditary cancer-predisposing syndrome. Last evaluated: 2016-04-07. Review status: criteria provided, single submitter. Criteria: Ambry Variant Classification Scheme 2023. Collection method: clinical testing. Allele origin: germline.